The following is an entry in ClinVar:

ClinVar aggregate classification (germline): Likely pathogenic (1 of 4 stars; one submission).

Submission:

GeneDx
Classification: Likely pathogenic. Last evaluated: 2024-01-17. Review status: criteria provided, single submitter. Criteria: GeneDx Variant Classification Process June 2021. Collection method: clinical testing. Allele origin: germline. Affected: yes.
Comment: Not observed in large population cohorts (gnomAD); In silico analysis supports that this missense variant has a deleterious effect on protein structure/function; Has not been previously published as pathogenic or benign to our knowledge

NM_002107.7(H3-3A):c.92C>T (p.Pro31Leu)

Gene: H3-3A (H3.3 histone A; plus strand). Cytogenetic location: 1q42.12.
Variant type: single nucleotide variant.
Coding change: c.92C>T on transcript NM_002107.7 (MANE Select); coding-DNA position 92, C replaced by T.
Protein change: p.Pro31Leu; replaces proline 31 with leucine.
Molecular consequence: missense variant.
Genome position (GRCh38, 1-based): chr1:226,064,443, C>T. VCF-style: chr1-226064443-C-T. GRCh37 (hg19) VCF-style: chr1-226252144-C-T.
Other names: c.92C>T, p.Pro31Leu (NM_001379043.1, NM_001379045.1, NM_001379046.1 and 1 more transcripts); short protein forms P31L.
Identifiers: ClinVar variation 1306572 (VCV001306572.3), dbSNP rs1439403341, ClinGen allele CA345015962.